The following is an entry in ClinVar:

ClinVar aggregate classification (germline): Uncertain significance (1 of 4 stars; one submission).

Submission:

GeneDx
Classification: Uncertain significance. Last evaluated: 2026-03-16. Review status: criteria provided, single submitter. Criteria: GeneDx Variant Classification Process June 2021. Collection method: clinical testing. Allele origin: germline.
Comment: Not observed at significant frequency in large population cohorts (gnomAD); In silico analysis supports that this missense variant has a deleterious effect on protein structure/function; Has not been previously published as pathogenic or benign to our knowledge

NM_021096.4(CACNA1I):c.484A>T (p.Met162Leu)

Gene: CACNA1I (calcium voltage-gated channel subunit alpha1 I; plus strand). Cytogenetic location: 22q13.1.
Variant type: single nucleotide variant.
Coding change: c.484A>T on transcript NM_021096.4 (MANE Select); coding-DNA position 484, A replaced by T.
Protein change: p.Met162Leu; replaces methionine 162 with leucine.
Molecular consequence: missense variant.
Genome position (GRCh38, 1-based): chr22:39,619,311, A>T. VCF-style: chr22-39619311-A-T. GRCh37 (hg19) VCF-style: chr22-40015316-A-T.
Other names: c.484A>T, p.Met162Leu (NM_001003406.2); short protein forms M162L.
Identifiers: ClinVar variation 5009264 (VCV005009264.1).